The following is an entry in ClinVar:

ClinVar aggregate classification (germline): Uncertain significance (1 of 4 stars; one submission).

Allele frequency attached by ClinVar (database versions not stated): gnomAD exomes below 0.00001.
gnomAD v4.1: 2 of 1,430,618 alleles (0.00014%); highest among the groups gnomAD compares: Non-Finnish European, 0.00018%; no homozygotes.

Submission:

GeneDx
Classification: Uncertain significance. Last evaluated: 2019-08-19. Review status: criteria provided, single submitter. Criteria: GeneDx Variant Classification Process June 2021. Collection method: clinical testing. Allele origin: germline. Affected: yes.
Comment: Not observed in large population cohorts (Lek et al., 2016); In silico analysis, which includes protein predictors and evolutionary conservation, supports a deleterious effect; Has not been previously published as pathogenic or benign to our knowledge

NM_004408.4(DNM1):c.2347C>T (p.Arg783Cys)

Genes: DNM1 (dynamin 1; plus strand), LOC130002698 (ATAC-STARR-seq lymphoblastoid silent region 20332; plus strand). Cytogenetic location: 9q34.11.
Variant type: single nucleotide variant.
Coding change: c.2347C>T on transcript NM_004408.4 (MANE Select); coding-DNA position 2347, C replaced by T.
Protein change: p.Arg783Cys; replaces arginine 783 with cysteine.
Molecular consequence: missense variant.
Genome position (GRCh38, 1-based): chr9:128,250,753, C>T. VCF-style: chr9-128250753-C-T. GRCh37 (hg19) VCF-style: chr9-131013032-C-T.
Other names: c.2347C>T, p.Arg783Cys (NM_001005336.3, NM_001288737.2, NM_001288738.2 and 2 more transcripts); short protein forms R783C.
Identifiers: ClinVar variation 1303406 (VCV001303406.2), dbSNP rs1294520095, ClinGen allele CA375001493.